The following is an entry in ClinVar:

NM_019109.5(ALG1):c.1288C>A (p.Pro430Thr)

Genes: EEF2KMT (eukaryotic elongation factor 2 lysine methyltransferase; minus strand), ALG1 (ALG1 chitobiosyldiphosphodolichol beta-mannosyltransferase; plus strand). Cytogenetic location: 16p13.3.
Variant type: single nucleotide variant.
Coding change: c.1288C>A on transcript NM_019109.5 (MANE Select); coding-DNA position 1288, C replaced by A.
Protein change: p.Pro430Thr; replaces proline 430 with threonine.
Molecular consequence: missense variant. On other transcripts: 3 prime UTR variant (3).
Genome position (GRCh38, 1-based): chr16:5,084,774, C>A. VCF-style: chr16-5084774-C-A. GRCh37 (hg19) VCF-style: chr16-5134775-C-A.
Other names: c.*858G>T (NM_001289029.2, NM_201400.4, NM_201598.4); c.955C>A, p.Pro319Thr (NM_001330504.2); short protein forms P319T, P430T.
Identifiers: ClinVar variation 3110420 (VCV003110420.3), dbSNP rs376032057, ClinGen allele CA7890325.

ClinVar aggregate classification (germline): Uncertain significance. Review status: criteria provided, multiple submitters, no conflicts (2 of 4 stars). 3 submissions from 3 submitters: Uncertain significance (3). Last evaluated 2025-06-24.

Conditions:
Inborn genetic diseases. Identifiers: MedGen C0950123, MeSH D030342.
ALG1-congenital disorder of glycosylation. Also called: CONGENITAL DISORDER OF GLYCOSYLATION, TYPE Ik; CDG Ik; ALG1-CDG. Identifiers: Orphanet 79327, MedGen C2931005, MONDO:0012052, OMIM 608540.

Allele frequency attached by ClinVar (database versions not stated): gnomAD 0.00013; ESP Exome Variant Server 0.00014.
gnomAD v4.1: 71 of 1,596,330 alleles (0.0044%); highest among the groups gnomAD compares: African/African-American, 0.033%; no homozygotes.

Submissions (3):

GeneDx
Classification: Uncertain significance. Last evaluated: 2025-06-24. Review status: criteria provided, single submitter. Criteria: GeneDx Variant Classification Process June 2021. Collection method: clinical testing. Allele origin: germline. Affected: yes.
Comment: In silico analysis suggests that this missense variant does not alter protein structure/function; Has not been previously published as pathogenic or benign to our knowledge

Fulgent Genetics
Classification: Uncertain significance for ALG1-congenital disorder of glycosylation. Last evaluated: 2024-06-11. Review status: criteria provided, single submitter. Criteria: ACMG Guidelines, 2015. Collection method: clinical testing. Allele origin: germline.

Ambry Genetics
Classification: Uncertain significance for Inborn genetic diseases. Last evaluated: 2024-03-07. Review status: criteria provided, single submitter. Criteria: Ambry Variant Classification Scheme 2023. Collection method: clinical testing. Allele origin: germline.